The following is an entry in ClinVar:

NM_015512.5(DNAH1):c.6632A>G (p.His2211Arg)

Gene: DNAH1 (dynein axonemal heavy chain 1; plus strand). Cytogenetic location: 3p21.1.
Variant type: single nucleotide variant.
Coding change: c.6632A>G on transcript NM_015512.5 (MANE Select); coding-DNA position 6632, A replaced by G.
Protein change: p.His2211Arg; replaces histidine 2211 with arginine.
Molecular consequence: missense variant.
Genome position (GRCh38, 1-based): chr3:52,372,052, A>G. VCF-style: chr3-52372052-A-G. GRCh37 (hg19) VCF-style: chr3-52406068-A-G.
Other names: p.His2211Arg; short protein forms H2211R.
Identifiers: ClinVar variation 2125794 (VCV002125794.5), dbSNP rs2471235032, ClinGen allele CA353164466.

ClinVar aggregate classification (germline): Uncertain significance. Review status: criteria provided, multiple submitters, no conflicts (2 of 4 stars). 2 submissions from 2 submitters: Uncertain significance (2). Last evaluated 2024-04-24.

Conditions:
Spermatogenic failure 18. Identifiers: MedGen C4539783, MONDO:0054615, OMIM 617576.
Ciliary dyskinesia, primary, 37 (CILD37). Also called: CILIARY DYSKINESIA, PRIMARY, 37, WITH OR WITHOUT SITUS INVERSUS. Identifiers: MedGen C4539798, MONDO:0033204, OMIM 617577.

Submissions (2):

Mayo Clinic Laboratories, Mayo Clinic
Classification: Uncertain significance. Last evaluated: 2024-04-24. Review status: criteria provided, single submitter. Criteria: ACMG Guidelines, 2015. Collection method: clinical testing. Allele origin: germline. Observed: 1 variant allele.
Comment: BP4, PM2

Labcorp Genetics (formerly Invitae), Labcorp
Classification: Uncertain significance for Ciliary dyskinesia, primary, 37; Spermatogenic failure 18. Last evaluated: 2022-04-12. Review status: criteria provided, single submitter. Criteria: Invitae Variant Classification Sherloc (09022015). Collection method: clinical testing. Allele origin: germline.
Comment: In summary, the available evidence is currently insufficient to determine the role of this variant in disease. Therefore, it has been classified as a Variant of Uncertain Significance. Algorithms developed to predict the effect of missense changes on protein structure and function (SIFT, PolyPhen-2, Align-GVGD) all suggest that this variant is likely to be tolerated. This variant has not been reported in the literature in individuals affected with DNAH1-related conditions. This variant is not present in population databases (gnomAD no frequency). This sequence change replaces histidine, which is basic and polar, with arginine, which is basic and polar, at codon 2211 of the DNAH1 protein (p.His2211Arg).